The following is an entry in ClinVar:

NM_201384.3(PLEC):c.4317G>A (p.Gln1439=)

Gene: PLEC (plectin; minus strand). Cytogenetic location: 8q24.3.
Variant type: single nucleotide variant.
Coding change: c.4317G>A on transcript NM_201384.3 (MANE Select); coding-DNA position 4317, G replaced by A.
Protein change: p.Gln1439=; no amino-acid change (glutamine 1439 retained).
Molecular consequence: synonymous variant.
Genome position (GRCh38, 1-based): chr8:143,925,612, C>T on the plus strand (G>A on the coding strand, the complement: PLEC is on the minus strand). VCF-style: chr8-143925612-C-T. GRCh37 (hg19) VCF-style: chr8-144999780-C-T.
Other names: c.4398G>A (NM_000445.3); c.4398G>A, p.Gln1466= (NM_000445.5); c.4275G>A, p.Gln1425= (NM_201378.4); c.4251G>A, p.Gln1417= (NM_201379.3); c.4728G>A, p.Gln1576= (NM_201380.4); c.4221G>A, p.Gln1407= (NM_201381.3); c.4317G>A, p.Gln1439= (NM_201382.4); c.4329G>A, p.Gln1443= (NM_201383.3).
Identifiers: ClinVar variation 1497846 (VCV001497846.9), dbSNP rs781900044, ClinGen allele CA4926706.

ClinVar aggregate classification (germline): Conflicting classifications of pathogenicity. Review status: criteria provided, conflicting classifications (1 of 4 stars). 2 submissions from 2 submitters: Uncertain significance (1); Likely benign (1). Last evaluated 2024-08-07.

Conditions:
Epidermolysis bullosa simplex 5B, with muscular dystrophy (EBS5B). Also called: Epidermolysis bullosa simplex with muscular dystrophy; EPIDERMOLYSIS BULLOSA SIMPLEX AND LIMB-GIRDLE MUSCULAR DYSTROPHY. Identifiers: Orphanet 257, MedGen C2931072, MONDO:0009181, OMIM 226670.
Autosomal recessive limb-girdle muscular dystrophy type 2Q (LGMDR17). Also called: MUSCULAR DYSTROPHY, LIMB-GIRDLE, AUTOSOMAL RECESSIVE 17. Identifiers: Orphanet 254361, MedGen C3150989, MONDO:0013390, OMIM 613723.
Epidermolysis bullosa simplex with nail dystrophy (EBS5D). Identifiers: MedGen C4225309, MONDO:0014661, OMIM 616487.
Epidermolysis bullosa simplex 5C, with pyloric atresia (EBS5C). Also called: Epidermolysis bullosa simplex with pyloric atresia; PLEC-Related Epidermolysis Bullosa with Pyloric Atresia; PLEC1-Related Epidermolysis Bullosa with Pyloric Atresia. Identifiers: Orphanet 158684, MedGen C2677349, MONDO:0012807, OMIM 612138.
Epidermolysis bullosa simplex, Ogna type (EBS5A). Also called: EPIDERMOLYSIS BULLOSA SIMPLEX 5A, OGNA TYPE; Pidermolysis bullosa simplex 5A, Ogna type. Identifiers: Orphanet 79401, MedGen C0432317, MONDO:0007555, OMIM 131950.

Allele frequency attached by ClinVar (database versions not stated): gnomAD exomes 0.00001 and 0.00004; gnomAD 0.00005 and 0.00006; TOPMed 0.00007; ExAC 0.00009.
gnomAD v4.1: 23 of 1,582,380 alleles (0.0015%); highest among the groups gnomAD compares: African/African-American, 0.02%; no homozygotes.

Submissions (2):

GeneDx
Classification: Uncertain significance. Last evaluated: 2024-08-07. Review status: criteria provided, single submitter. Criteria: GeneDx Variant Classification Process June 2021. Collection method: clinical testing. Allele origin: germline. Affected: yes.
Comment: In silico analysis indicates that this variant does not alter splicing; Has not been previously published as pathogenic or benign to our knowledge

Labcorp Genetics (formerly Invitae), Labcorp
Classification: Likely benign for Autosomal recessive limb-girdle muscular dystrophy type 2Q; Epidermolysis bullosa simplex, Ogna type; Epidermolysis bullosa simplex with nail dystrophy; Epidermolysis bullosa simplex 5C, with pyloric atresia; Epidermolysis bullosa simplex 5B, with muscular dystrophy. Last evaluated: 2023-07-19. Review status: criteria provided, single submitter. Criteria: Invitae Variant Classification Sherloc (09022015). Collection method: clinical testing. Allele origin: germline.